The following is an entry in ClinVar:

NM_004369.4(COL6A3):c.7339G>A (p.Val2447Met)

Gene: COL6A3 (collagen type VI alpha 3 chain; minus strand). Cytogenetic location: 2q37.3.
Variant type: single nucleotide variant.
Coding change: c.7339G>A on transcript NM_004369.4 (MANE Select); coding-DNA position 7339, G replaced by A.
Protein change: p.Val2447Met; replaces valine 2447 with methionine.
Molecular consequence: missense variant.
Genome position (GRCh38, 1-based): chr2:237,344,679, C>T on the plus strand (G>A on the coding strand, the complement: COL6A3 is on the minus strand). VCF-style: chr2-237344679-C-T. GRCh37 (hg19) VCF-style: chr2-238253322-C-T.
Other names: c.7339G>A (NM_004369.3); c.5518G>A, p.Val1840Met (NM_057166.5); c.6721G>A, p.Val2241Met (NM_057167.4); short protein forms V2241M, V1840M, V2447M.
Identifiers: ClinVar variation 1449931 (VCV001449931.9), dbSNP rs1400293403, ClinGen allele CA351203694.

ClinVar aggregate classification (germline): Uncertain significance. Review status: criteria provided, multiple submitters, no conflicts (2 of 4 stars). 2 submissions from 2 submitters: Uncertain significance (2). Last evaluated 2025-03-25.

Conditions:
Bethlem myopathy 1A. Also called: MYOPATHY, BENIGN CONGENITAL, WITH CONTRACTURES; Bethlem Muscular Dystrophy; Bethlem myopathy 1. Identifiers: Orphanet 610, MedGen CN029274, MONDO:0024530, OMIM 158810.
Inborn genetic diseases. Identifiers: MedGen C0950123, MeSH D030342.

Allele frequency attached by ClinVar (database versions not stated): gnomAD exomes below 0.00001 and 0.00001.

Submissions (2):

Ambry Genetics
Classification: Uncertain significance for Inborn genetic diseases. Last evaluated: 2025-03-25. Review status: criteria provided, single submitter. Criteria: Ambry Variant Classification Scheme 2023. Collection method: clinical testing. Allele origin: germline.

Labcorp Genetics (formerly Invitae), Labcorp
Classification: Uncertain significance for Bethlem myopathy 1A. Last evaluated: 2024-03-01. Review status: criteria provided, single submitter. Criteria: Invitae Variant Classification Sherloc (09022015). Collection method: clinical testing. Allele origin: germline.
Comment: This sequence change replaces valine, which is neutral and non-polar, with methionine, which is neutral and non-polar, at codon 2447 of the COL6A3 protein (p.Val2447Met). This variant is present in population databases (no rsID available, gnomAD 0.0009%). This variant has not been reported in the literature in individuals affected with COL6A3-related conditions. ClinVar contains an entry for this variant (Variation ID: 1449931). Advanced modeling of protein sequence and biophysical properties (such as structural, functional, and spatial information, amino acid conservation, physicochemical variation, residue mobility, and thermodynamic stability) has been performed at Invitae for this missense variant, however the output from this modeling did not meet the statistical confidence thresholds required to predict the impact of this variant on COL6A3 protein function. In summary, the available evidence is currently insufficient to determine the role of this variant in disease. Therefore, it has been classified as a Variant of Uncertain Significance.